The following is an entry in ClinVar:

NM_019066.5(MAGEL2):c.2816C>T (p.Thr939Ile)

Gene: MAGEL2 (MAGE family member L2; minus strand). Cytogenetic location: 15q11.2.
Variant type: single nucleotide variant.
Coding change: c.2816C>T on transcript NM_019066.5 (MANE Select); coding-DNA position 2816, C replaced by T.
Protein change: p.Thr939Ile; replaces threonine 939 with isoleucine.
Molecular consequence: missense variant.
Genome position (GRCh38, 1-based): chr15:23,644,927, G>A on the plus strand (C>T on the coding strand, the complement: MAGEL2 is on the minus strand). VCF-style: chr15-23644927-G-A. GRCh37 (hg19) VCF-style: chr15-23890074-G-A.
Other names: short protein forms T939I.
Identifiers: ClinVar variation 3347248 (VCV003347248.2).

ClinVar aggregate classification (germline): Uncertain significance. Review status: criteria provided, single submitter (1 of 4 stars). 2 submissions from 2 submitters: Uncertain significance (1). 1 of the submissions does not count toward it. Last evaluated 2024-11-03.

Conditions:
MAGEL2-related disorder. Also called: MAGEL2-related condition.

Submissions (2):

GeneDx
Classification: Uncertain significance. Last evaluated: 2024-11-03. Review status: criteria provided, single submitter. Criteria: GeneDx Variant Classification Process June 2021. Collection method: clinical testing. Allele origin: germline. Affected: yes.
Comment: Not observed at significant frequency in large population cohorts (gnomAD); In silico analysis indicates that this missense variant does not alter protein structure/function; Has not been previously published as pathogenic or benign to our knowledge

PreventionGenetics, part of Exact Sciences
Classification: Uncertain significance for MAGEL2-related condition. Last evaluated: 2024-07-03. Review status: no assertion criteria provided. Collection method: clinical testing. Allele origin: germline. Not counted in ClinVar's aggregate classification.
Comment: The MAGEL2 c.2816C>T variant is predicted to result in the amino acid substitution p.Thr939Ile. To our knowledge, this variant has not been reported in the literature or in a large population database, indicating this variant is rare. At this time, the clinical significance of this variant is uncertain due to the absence of conclusive functional and genetic evidence.